The following is an entry in ClinVar:

ClinVar aggregate classification (germline): Conflicting classifications of pathogenicity. Review status: criteria provided, conflicting classifications (1 of 4 stars). 6 submissions from 6 submitters: Likely pathogenic (1); Uncertain significance (5). Last evaluated 2025-09-27.

Conditions:
Hereditary cancer-predisposing syndrome. Also called: Hereditary Cancer Syndrome; Tumor predisposition; Neoplastic Syndromes, Hereditary; Hereditary neoplastic syndrome. Identifiers: Orphanet 140162, MedGen C0027672, MeSH D009386, MONDO:0015356.
Von Hippel-Lindau syndrome (VHLS). Also called: Von Hippel-Lindau; VHL syndrome; von Hippel–Lindau syndrome. Identifiers: Orphanet 892, MedGen C0019562, MONDO:0008667, OMIM 193300. Disease mechanism: loss of function.
Chuvash polycythemia. Also called: POLYCYTHEMIA, VHL-DEPENDENT. Identifiers: Orphanet 238557, MedGen C1837915, MONDO:0009892, OMIM 263400.

Submissions (6):

Labcorp Genetics (formerly Invitae), Labcorp
Classification: Likely pathogenic for Von Hippel-Lindau syndrome; Chuvash polycythemia. Last evaluated: 2025-09-27. Review status: criteria provided, single submitter. Criteria: Invitae Variant Classification Sherloc (09022015). Collection method: clinical testing. Allele origin: germline.
Comment: This sequence change replaces leucine, which is neutral and non-polar, with phenylalanine, which is neutral and non-polar, at codon 89 of the VHL protein (p.Leu89Phe). This variant is not present in population databases (gnomAD no frequency). This missense change has been observed in individual(s) with VHL-related conditions (PMID: 18446368). This variant is also known as 478C>T (p.L89S). ClinVar contains an entry for this variant (Variation ID: 651694). Invitae Evidence Modeling of protein sequence and biophysical properties (such as structural, functional, and spatial information, amino acid conservation, physicochemical variation, residue mobility, and thermodynamic stability) indicates that this missense variant is expected to disrupt VHL protein function with a positive predictive value of 95%. This variant disrupts the p.Leu89 amino acid residue in VHL. Other variant(s) that disrupt this residue have been determined to be pathogenic (PMID: 8707293, 19408298, 20064270, 20151405). This suggests that this residue is clinically significant, and that variants that disrupt this residue are likely to be disease-causing. In summary, the currently available evidence indicates that the variant is pathogenic, but additional data are needed to prove that conclusively. Therefore, this variant has been classified as Likely Pathogenic.

Ambry Genetics
Classification: Uncertain significance for Hereditary cancer-predisposing syndrome. Last evaluated: 2025-07-15. Review status: criteria provided, single submitter. Criteria: Ambry Variant Classification Scheme 2023. Collection method: clinical testing. Allele origin: germline.
Comment: The p.L89F variant (also known as c.265C>T), located in coding exon 1 of the VHL gene, results from a C to T substitution at nucleotide position 265. The leucine at codon 89 is replaced by phenylalanine, an amino acid with highly similar properties. This variant was determined to be functionally neutral in one saturation genome editing assay (Buckley M et al. Nat Genet, 2024 Jul;56:1446-1455). This amino acid position is not well conserved in available vertebrate species. In addition, the in silico prediction for this alteration is inconclusive. Since supporting evidence is limited at this time, the clinical significance of this alteration remains unclear.

Women's Health and Genetics/Laboratory Corporation of America, LabCorp
Classification: Uncertain significance. Last evaluated: 2025-06-27. Review status: criteria provided, single submitter. Criteria: LabCorp Variant Classification Summary - May 2015. Collection method: clinical testing. Allele origin: germline.
Comment: Variant summary: VHL c.265C>T (p.Leu89Phe), results in a non-conservative amino acid change in the encoded protein sequence. Algorithms developed to predict the effect of missense changes on protein structure and function are either unavailable or do not agree on the potential impact of this missense change. The variant was absent in 225978 control chromosomes. c.265C>T has been observed in individual(s) affected with Von Hippel-Lindau Syndrome (Zhang_2008). These data do not allow any conclusion about variant significance. A different variant affecting the same codon has been classified as likely pathogenic/pathogenic by our lab (c.266T>C, p.Leu89Pro), supporting the critical relevance of codon 89 to VHL protein function. To our knowledge, no experimental evidence demonstrating an impact on protein function has been reported. The following publications have been ascertained in the context of this evaluation (PMID: 22357542, 25563310, 18446368). ClinVar contains an entry for this variant (Variation ID: 651694). Based on the evidence outlined above, the variant was classified as VUS-possibly pathogenic.

Quest Diagnostics Nichols Institute San Juan Capistrano
Classification: Uncertain significance. Last evaluated: 2025-03-29. Review status: criteria provided, single submitter. Criteria: Quest Diagnostics criteria. Collection method: clinical testing. Allele origin: unknown.

GeneDx
Classification: Uncertain significance. Last evaluated: 2025-02-04. Review status: criteria provided, single submitter. Criteria: GeneDx Variant Classification Process June 2021. Collection method: clinical testing. Allele origin: germline. Affected: yes.
Comment: Observed in a patient with VHL disease (PMID: 22357542); In silico analysis supports that this missense variant has a deleterious effect on protein structure/function; Not observed at significant frequency in large population cohorts (gnomAD); This variant is associated with the following publications: (PMID: 18446368, 22357542)

All of Us Research Program, National Institutes of Health
Classification: Uncertain significance for Von Hippel-Lindau syndrome. Last evaluated: 2023-11-30. Review status: criteria provided, single submitter. Criteria: ACMG Guidelines, 2015. Collection method: clinical testing. Allele origin: germline. Inheritance: Autosomal dominant inheritance. Observed: 3 variant alleles, 3 heterozygotes.
Comment: This missense variant replaces leucine with phenylalanine at codon 89 of the VHL protein. Computational prediction is inconclusive regarding the impact of this variant on protein structure and function (internally defined REVEL score threshold 0.5 < inconclusive < 0.7, PMID: 27666373). To our knowledge, functional studies have not been reported for this variant. This variant has been reported in a family affected with type 1 Von Hippel-Lindau syndrome (PMID: 18446368, 25563310). This variant has not been identified in the general population by the Genome Aggregation Database (gnomAD). The available evidence is insufficient to determine the role of this variant in disease conclusively. Therefore, this variant is classified as a Variant of Uncertain Significance.

This study involves interpretation of variants in research participants for the purpose of population health screening. Participant phenotype was not available at the time of variant classification. Additional details can be found in publication PMID: 35346344, PMCID: PMC8962531

Literature cited by the submitters: PubMed 18446368 (cited by 4 submitters); PubMed 8707293 (cited by Labcorp Genetics (formerly Invitae), Labcorp); PubMed 19408298 (cited by Labcorp Genetics (formerly Invitae), Labcorp); PubMed 20064270 (cited by Labcorp Genetics (formerly Invitae), Labcorp); PubMed 20151405 (cited by Labcorp Genetics (formerly Invitae), Labcorp); PubMed 38969834 (cited by Ambry Genetics); PubMed 25563310 (cited by Women's Health and Genetics/Laboratory Corporation of America, LabCorp and All of Us Research Program, National Institutes of Health); PubMed 22357542 (cited by Women's Health and Genetics/Laboratory Corporation of America, LabCorp).

NM_000551.4(VHL):c.265C>T (p.Leu89Phe)

Gene: VHL (von Hippel-Lindau tumor suppressor; plus strand). Cytogenetic location: 3p25.3.
Variant type: single nucleotide variant.
Coding change: c.265C>T on transcript NM_000551.4 (MANE Select); coding-DNA position 265, C replaced by T.
Protein change: p.Leu89Phe; replaces leucine 89 with phenylalanine.
Molecular consequence: missense variant.
Genome position (GRCh38, 1-based): chr3:10,142,112, C>T. VCF-style: chr3-10142112-C-T. GRCh37 (hg19) VCF-style: chr3-10183796-C-T.
Other names: c.265C>T, p.Leu89Phe (NM_198156.3, NM_001354723.2); short protein forms L89F.
Identifiers: ClinVar variation 651694 (VCV000651694.15), dbSNP rs1575922124, ClinGen allele CA351750683.